The following is an entry in ClinVar:

NM_024334.3(TMEM43):c.143A>G (p.Tyr48Cys)

Gene: TMEM43 (transmembrane protein 43; plus strand). Cytogenetic location: 3p25.1.
Variant type: single nucleotide variant.
Coding change: c.143A>G on transcript NM_024334.3 (MANE Select); coding-DNA position 143, A replaced by G.
Protein change: p.Tyr48Cys; replaces tyrosine 48 with cysteine.
Molecular consequence: missense variant. On other transcripts: intron variant (1).
Genome position (GRCh38, 1-based): chr3:14,129,542, A>G. VCF-style: chr3-14129542-A-G. GRCh37 (hg19) VCF-style: chr3-14171042-A-G.
Other names: c.143A>G, p.Tyr48Cys (NM_001407277.1, NM_001407278.1, NM_001407279.1 and 3 more transcripts); c.13-1280A>G (NM_001407280.1); short protein forms Y48C.
Identifiers: ClinVar variation 2637062 (VCV002637062.4), dbSNP rs1553602871, ClinGen allele CA351534427.

ClinVar aggregate classification (germline): Uncertain significance. Review status: criteria provided, multiple submitters, no conflicts (2 of 4 stars). 3 submissions from 3 submitters: Uncertain significance (3). Last evaluated 2025-03-27.

Conditions:
TMEM43-related disorder. Also called: TMEM43-related condition.
Arrhythmogenic right ventricular dysplasia 5. Also called: Arrhythmogenic Right Ventricular Dysplasia/Cardiomyopathy 5; ARRHYTHMOGENIC RIGHT VENTRICULAR DYSPLASIA, FAMILIAL, 5. Identifiers: MedGen C1858379, MONDO:0011459, OMIM 604400.

Submissions (3):

GeneDx
Classification: Uncertain significance. Last evaluated: 2025-03-27. Review status: criteria provided, single submitter. Criteria: GeneDx Variant Classification Process June 2021. Collection method: clinical testing. Allele origin: germline. Affected: yes.
Comment: Not observed at significant frequency in large population cohorts (gnomAD); In silico analysis indicates that this missense variant does not alter protein structure/function; Has not been previously published as pathogenic or benign to our knowledge

Labcorp Genetics (formerly Invitae), Labcorp
Classification: Uncertain significance for Arrhythmogenic right ventricular dysplasia 5. Last evaluated: 2024-12-19. Review status: criteria provided, single submitter. Criteria: Invitae Variant Classification Sherloc (09022015). Collection method: clinical testing. Allele origin: germline.
Comment: This sequence change replaces tyrosine, which is neutral and polar, with cysteine, which is neutral and slightly polar, at codon 48 of the TMEM43 protein (p.Tyr48Cys). This variant is not present in population databases (gnomAD no frequency). This variant has not been reported in the literature in individuals affected with TMEM43-related conditions. ClinVar contains an entry for this variant (Variation ID: 2637062). Invitae Evidence Modeling of protein sequence and biophysical properties (such as structural, functional, and spatial information, amino acid conservation, physicochemical variation, residue mobility, and thermodynamic stability) indicates that this missense variant is not expected to disrupt TMEM43 protein function with a negative predictive value of 80%. In summary, the available evidence is currently insufficient to determine the role of this variant in disease. Therefore, it has been classified as a Variant of Uncertain Significance.

PreventionGenetics, part of Exact Sciences
Classification: Uncertain significance for TMEM43-related condition. Last evaluated: 2022-10-05. Review status: criteria provided, single submitter. Criteria: ACMG Guidelines, 2015. Collection method: clinical testing. Allele origin: germline.
Comment: The TMEM43 c.143A>G variant is predicted to result in the amino acid substitution p.Tyr48Cys. To our knowledge, this variant has not been reported in the literature or in a large population database, indicating this variant is rare. At this time, the clinical significance of this variant is uncertain due to the absence of conclusive functional and genetic evidence.